The following is an entry in ClinVar:

ClinVar aggregate classification (germline): Likely pathogenic (1 of 4 stars; one submission).

Conditions:
Hereditary cancer-predisposing syndrome. Also called: Tumor predisposition; Hereditary Cancer Syndrome; Hereditary neoplastic syndrome; Neoplastic Syndromes, Hereditary. Identifiers: Orphanet 140162, MedGen C0027672, MeSH D009386, MONDO:0015356.

gnomAD v4.1: 1 of 1,614,052 alleles (0.000062%); highest among the groups gnomAD compares: African/African-American, 0.0013%; no homozygotes.

Submission:

Ambry Genetics
Classification: Likely pathogenic for Hereditary cancer-predisposing syndrome. Last evaluated: 2025-09-16. Review status: criteria provided, single submitter. Criteria: Ambry Variant Classification Scheme 2023. Collection method: clinical testing. Allele origin: germline.
Comment: The c.896-2A>C intronic variant results from an A to C substitution two nucleotides upstream from coding exon 8 in the SDHA gene. This nucleotide position is highly conserved in available vertebrate species. This variant is considered to be rare based on population cohorts in the Genome Aggregation Database (gnomAD). In silico splice site analysis predicts that this alteration will weaken the native splice acceptor site and will result in the creation or strengthening of a novel splice acceptor site; however, direct evidence is insufficient at this time (Ambry internal data). Alterations that disrupt the canonical splice site are expected to cause aberrant splicing, resulting in an abnormal protein or a transcript that is subject to nonsense-mediated mRNA decay. As such, this alteration is classified as likely pathogenic.

NM_004168.4(SDHA):c.896-2A>C

Gene: SDHA (succinate dehydrogenase complex flavoprotein subunit A; plus strand). Cytogenetic location: 5p15.33.
Variant type: single nucleotide variant.
Coding change: c.896-2A>C on transcript NM_004168.4 (MANE Select); the canonical splice acceptor site of the intron before coding-DNA position 896, A replaced by C.
Molecular consequence: splice acceptor variant.
Genome position (GRCh38, 1-based): chr5:233,475, A>C. VCF-style: chr5-233475-A-C. GRCh37 (hg19) VCF-style: chr5-233590-A-C.
Other names: c.896-2A>C (NM_001330758.2); c.752-2A>C (NM_001294332.2).
Identifiers: ClinVar variation 4546620 (VCV004546620.1).
Genomic context (GRCh38, chr5:233,475, plus strand): 5'-TAATGCATTTGAAATAGAGATCTAGCAATTGTTAGGTAATAAATATGTGTGGTTTTTTGC[A>C]GGCATATATGGTGCTGGTTGTCTCATTACGGAAGGATGTCGTGGAGAGGGAGGCATTCTC-3'